The following is an entry in ClinVar:

NM_002661.5(PLCG2):c.630G>T (p.Met210Ile)

Gene: PLCG2 (phospholipase C gamma 2; plus strand). Cytogenetic location: 16q23.3.
Variant type: single nucleotide variant.
Coding change: c.630G>T on transcript NM_002661.5 (MANE Select); coding-DNA position 630, G replaced by T.
Protein change: p.Met210Ile; replaces methionine 210 with isoleucine.
Molecular consequence: missense variant.
Genome position (GRCh38, 1-based): chr16:81,870,917, G>T. VCF-style: chr16-81870917-G-T. GRCh37 (hg19) VCF-style: chr16-81904522-G-T.
Other names: short protein forms M210I.
Identifiers: ClinVar variation 1422205 (VCV001422205.8), dbSNP rs1907484248, ClinGen allele CA396903367.

ClinVar aggregate classification (germline): Uncertain significance (1 of 4 stars; one submission).

Conditions:
Familial cold autoinflammatory syndrome 3 (FCAS3). Also called: ANTIBODY DEFICIENCY AND IMMUNE DYSREGULATION, PLCG2-ASSOCIATED; FAMILIAL ATYPICAL COLD URTICARIA. Identifiers: Orphanet 300359, MedGen C3280914, MONDO:0013766, OMIM 614468.

Submission:

Labcorp Genetics (formerly Invitae), Labcorp
Classification: Uncertain significance for Familial cold autoinflammatory syndrome 3. Last evaluated: 2020-11-11. Review status: criteria provided, single submitter. Criteria: Invitae Variant Classification Sherloc (09022015). Collection method: clinical testing. Allele origin: germline.
Comment: This sequence change replaces methionine with isoleucine at codon 210 of the PLCG2 protein (p.Met210Ile). The methionine residue is highly conserved and there is a small physicochemical difference between methionine and isoleucine. This variant is not present in population databases (ExAC no frequency). This variant has not been reported in the literature in individuals with PLCG2-related conditions. Algorithms developed to predict the effect of missense changes on protein structure and function (SIFT, PolyPhen-2, Align-GVGD) all suggest that this variant is likely to be tolerated, but these predictions have not been confirmed by published functional studies and their clinical significance is uncertain. In summary, the available evidence is currently insufficient to determine the role of this variant in disease. Therefore, it has been classified as a Variant of Uncertain Significance.